The following is an entry in ClinVar:

NM_004787.4(SLIT2):c.1789G>A (p.Val597Met)

Gene: SLIT2 (slit guidance ligand 2; plus strand). Cytogenetic location: 4p15.31.
Variant type: single nucleotide variant.
Coding change: c.1789G>A on transcript NM_004787.4 (MANE Select); coding-DNA position 1789, G replaced by A.
Protein change: p.Val597Met; replaces valine 597 with methionine.
Molecular consequence: missense variant.
Genome position (GRCh38, 1-based): chr4:20,533,672, G>A. VCF-style: chr4-20533672-G-A. GRCh37 (hg19) VCF-style: chr4-20535295-G-A.
Other names: c.1777G>A, p.Val593Met (NM_001289135.3); c.1765G>A, p.Val589Met (NM_001289136.3); short protein forms V597M, V593M, V589M.
Identifiers: ClinVar variation 2068222 (VCV002068222.4), dbSNP rs145094041, ClinGen allele CA2871603.

ClinVar aggregate classification (germline): Uncertain significance (1 of 4 stars; one submission).

Allele frequency attached by ClinVar (database versions not stated): ESP Exome Variant Server 0.00015; TOPMed 0.00019; gnomAD 0.00021; gnomAD exomes 0.00021; ExAC 0.00039.
gnomAD v4.1: 344 of 1,613,866 alleles (0.021%); highest among the groups gnomAD compares: Middle Eastern, 0.18%; no homozygotes.

Submission:

Labcorp Genetics (formerly Invitae), Labcorp
Classification: Uncertain significance. Last evaluated: 2025-11-25. Review status: criteria provided, single submitter. Criteria: Invitae Variant Classification Sherloc (09022015). Collection method: clinical testing. Allele origin: germline.
Comment: This sequence change replaces valine, which is neutral and non-polar, with methionine, which is neutral and non-polar, at codon 597 of the SLIT2 protein (p.Val597Met). This variant is present in population databases (rs145094041, gnomAD 0.08%), and has an allele count higher than expected for a pathogenic variant. This variant has not been reported in the literature in individuals affected with SLIT2-related conditions. ClinVar contains an entry for this variant (Variation ID: 2068222). An algorithm developed to predict the effect of missense changes on protein structure and function (PolyPhen-2) suggests that this variant is likely to be disruptive. In summary, the available evidence is currently insufficient to determine the role of this variant in disease. Therefore, it has been classified as a Variant of Uncertain Significance.